The following is an entry in ClinVar:

NM_032043.3(BRIP1):c.26del (p.Thr9fs)

Gene: BRIP1 (BRCA1 interacting DNA helicase 1; minus strand). Cytogenetic location: 17q23.2.
Variant type: Deletion.
Coding change: c.26del on transcript NM_032043.3 (MANE Select); coding-DNA position 26, one base deleted (C; older notation c.26delC).
Protein change: p.Thr9fs; shifts the reading frame from threonine 9.
Molecular consequence: frameshift variant.
Genome position (GRCh38, 1-based): chr17:61,861,514, G deleted on the plus strand (C on the coding strand, the reverse complement: BRIP1 is on the minus strand). VCF-style (leftmost placement, unchanged base first): chr17-61861513-TG-T. GRCh37 (hg19) VCF-style: chr17-59938874-TG-T.
Other names: short protein forms T9fs.
Identifiers: ClinVar variation 1386680 (VCV001386680.7), dbSNP rs2145865744, ClinGen allele CA2573154364.

ClinVar aggregate classification (germline): Pathogenic (1 of 4 stars; one submission).

Conditions:
Familial cancer of breast. Also called: BREAST CANCER, FAMILIAL; Hereditary breast cancer; hereditary breast carcinoma. Identifiers: Orphanet 227535, MedGen C0346153, MONDO:0016419, OMIM 114480. Disease mechanism: loss of function.
Fanconi anemia complementation group J. Also called: BRIP1-Related Fanconi Anemia. Identifiers: Orphanet 84, MedGen C1836860, MONDO:0012187, OMIM 609054.

Submission:

Labcorp Genetics (formerly Invitae), Labcorp
Classification: Pathogenic for Familial cancer of breast; Fanconi anemia complementation group J. Last evaluated: 2021-06-26. Review status: criteria provided, single submitter. Criteria: Invitae Variant Classification Sherloc (09022015). Collection method: clinical testing. Allele origin: germline.
Comment: This sequence change creates a premature translational stop signal (p.Thr9Lysfs*5) in the BRIP1 gene. It is expected to result in an absent or disrupted protein product. Loss-of-function variants in BRIP1 are known to be pathogenic (PMID: 16116423, 17033622, 21964575). This variant is not present in population databases (ExAC no frequency). This variant has not been reported in the literature in individuals with BRIP1-related conditions. For these reasons, this variant has been classified as Pathogenic.

Literature cited by the submitters: PubMed 16116423; PubMed 17033622; PubMed 21964575.